The following is an entry in ClinVar:

ClinVar aggregate classification (germline): Benign (1 of 4 stars; one submission).

Allele frequency attached by ClinVar (database versions not stated): ExAC 0.00115; 1000 Genomes Project 0.00280; gnomAD 0.00350; 1000 Genomes Project 30x 0.00375; TOPMed 0.00425.
gnomAD v4.1: 1,003 of 1,536,126 alleles (0.065%); highest among the groups gnomAD compares: African/African-American, 1.2%; 8 homozygotes.

Submission:

CeGaT Center for Human Genetics Tuebingen
Classification: Benign. Last evaluated: 2023-01-01. Review status: criteria provided, single submitter. Criteria: CeGaT Center For Human Genetics Tuebingen Variant Classification Criteria Version 2. Collection method: clinical testing. Allele origin: germline. Affected: yes. Observed: 1 variant allele.
Comment: ZFHX2: BS1, BS2

NM_033400.3(ZFHX2):c.2377C>T (p.Arg793Trp)

Genes: THTPA (thiamine triphosphatase; plus strand), ZFHX2 (zinc finger homeobox 2; minus strand). Cytogenetic location: 14q11.2.
Variant type: single nucleotide variant.
Coding change: c.2377C>T on transcript NM_033400.3 (MANE Select); coding-DNA position 2377, C replaced by T.
Protein change: p.Arg793Trp; replaces arginine 793 with tryptophan.
Molecular consequence: missense variant.
Genome position (GRCh38, 1-based): chr14:23,532,749, G>A on the plus strand (C>T on the coding strand, the complement: ZFHX2 is on the minus strand). VCF-style: chr14-23532749-G-A. GRCh37 (hg19) VCF-style: chr14-24001958-G-A.
Other names: short protein forms R793W.
Identifiers: ClinVar variation 2644119 (VCV002644119.24), dbSNP rs61742913, ClinGen allele CA7117070.